The following is an entry in ClinVar:

NM_001199138.2(NLRC4):c.380T>A (p.Ile127Asn)

Gene: NLRC4 (NLR family CARD domain containing 4; minus strand). Cytogenetic location: 2p22.3.
Variant type: single nucleotide variant.
Coding change: c.380T>A on transcript NM_001199138.2 (MANE Select); coding-DNA position 380, T replaced by A.
Protein change: p.Ile127Asn; replaces isoleucine 127 with asparagine.
Molecular consequence: missense variant. On other transcripts: intron variant (1).
Genome position (GRCh38, 1-based): chr2:32,251,484, A>T on the plus strand (T>A on the coding strand, the complement: NLRC4 is on the minus strand). VCF-style: chr2-32251484-A-T. GRCh37 (hg19) VCF-style: chr2-32476553-A-T.
Other names: c.380T>A, p.Ile127Asn (NM_001199139.2, NM_021209.5); c.262+935T>A (NM_001302504.1); short protein forms I127N.
Identifiers: ClinVar variation 2931394 (VCV002931394.3), dbSNP rs369074805, ClinGen allele CA1602151.

ClinVar aggregate classification (germline): Uncertain significance (1 of 4 stars; one submission).

Conditions:
Periodic fever-infantile enterocolitis-autoinflammatory syndrome. Also called: Autoinflammation with infantile enterocolitis. Identifiers: Orphanet 436166, MedGen C4015067, MONDO:0014472, OMIM 616050.
Familial cold autoinflammatory syndrome 4 (FCAS4). Identifiers: Orphanet 47045, Orphanet 576349, MedGen C4015276, MONDO:0014498, OMIM 616115.

Allele frequency attached by ClinVar (database versions not stated): TOPMed 0.00003; ESP Exome Variant Server 0.00015.
gnomAD v4.1: 7 of 1,614,048 alleles (0.00043%); highest among the groups gnomAD compares: African/African-American, 0.0093%; no homozygotes.

Submission:

Labcorp Genetics (formerly Invitae), Labcorp
Classification: Uncertain significance for Periodic fever-infantile enterocolitis-autoinflammatory syndrome; Familial cold autoinflammatory syndrome 4. Last evaluated: 2025-05-27. Review status: criteria provided, single submitter. Criteria: Invitae Variant Classification Sherloc (09022015). Collection method: clinical testing. Allele origin: germline.
Comment: This sequence change replaces isoleucine, which is neutral and non-polar, with asparagine, which is neutral and polar, at codon 127 of the NLRC4 protein (p.Ile127Asn). This variant is present in population databases (rs369074805, gnomAD 0.01%). This variant has not been reported in the literature in individuals affected with NLRC4-related conditions. ClinVar contains an entry for this variant (Variation ID: 2931394). Invitae Evidence Modeling of protein sequence and biophysical properties (such as structural, functional, and spatial information, amino acid conservation, physicochemical variation, residue mobility, and thermodynamic stability) has been performed for this missense variant. However, the output from this modeling did not meet the statistical confidence thresholds required to predict the impact of this variant on NLRC4 protein function. In summary, the available evidence is currently insufficient to determine the role of this variant in disease. Therefore, it has been classified as a Variant of Uncertain Significance.